The following is an entry in ClinVar:

ClinVar aggregate classification (germline): Likely benign (1 of 4 stars; one submission).

Submission:

CeGaT Center for Human Genetics Tuebingen
Classification: Likely benign. Last evaluated: 2026-02-01. Review status: criteria provided, single submitter. Criteria: CeGaT Center For Human Genetics Tuebingen Variant Classification Criteria Version 2. Collection method: clinical testing. Allele origin: germline. Affected: yes. Observed: 1 variant allele.
Comment: TRRAP: PM2:Supporting, BP4, BP7

NM_001375524.1(TRRAP):c.8106C>T (p.Tyr2702=)

Gene: TRRAP (transformation/transcription domain associated protein; plus strand). Cytogenetic location: 7q22.1.
Variant type: single nucleotide variant.
Coding change: c.8106C>T on transcript NM_001375524.1 (MANE Select); coding-DNA position 8106, C replaced by T.
Protein change: p.Tyr2702=; no amino-acid change (tyrosine 2702 retained).
Molecular consequence: synonymous variant.
Genome position (GRCh38, 1-based): chr7:98,976,629, C>T. VCF-style: chr7-98976629-C-T. GRCh37 (hg19) VCF-style: chr7-98574252-C-T.
Other names: c.8085C>T, p.Tyr2695= (NM_001244580.2); c.8031C>T, p.Tyr2677= (NM_003496.4).
Identifiers: ClinVar variation 4823449 (VCV004823449.4).